The following is an entry in ClinVar:

NM_000337.6(SGCD):c.401C>T (p.Ala134Val)

Gene: SGCD (sarcoglycan delta; plus strand). Cytogenetic location: 5q33.3.
Variant type: single nucleotide variant.
Coding change: c.401C>T on transcript NM_000337.6 (MANE Select); coding-DNA position 401, C replaced by T.
Protein change: p.Ala134Val; replaces alanine 134 with valine.
Molecular consequence: missense variant.
Genome position (GRCh38, 1-based): chr5:156,594,950, C>T. VCF-style: chr5-156594950-C-T. GRCh37 (hg19) VCF-style: chr5-156021960-C-T.
Other names: c.398C>T, p.Ala133Val (NM_001128209.2); c.401C>T, p.Ala134Val (NM_172244.3); c.401C>T (NM_000337.5); short protein forms A133V, A134V.
Identifiers: ClinVar variation 1062788 (VCV001062788.7), dbSNP rs776098396, ClinGen allele CA3530597.
Genomic context (GRCh38, chr5:156,594,950, plus strand): 5'-TCCTCTCTCCTCTCTATCTCTCTATCTCTCTATATCTCTCAGGTCCAAAAGCCGTAGAAG[C>T]TTATGGTAAAAAATTTGAGGTAAAAACTGTTTCTGGAAAATTGCTCTTCTCTGCAGACAA-3'
Protein context (NP_000328.2, residues 124-144): QLITGPKAVE[Ala134Val]YGKKFEVKTV

ClinVar aggregate classification (germline): Uncertain significance. Review status: criteria provided, multiple submitters, no conflicts (2 of 4 stars). 3 submissions from 3 submitters: Uncertain significance (3). Last evaluated 2024-11-14.

Conditions:
Inborn genetic diseases. Identifiers: MedGen C0950123, MeSH D030342.
SGCD-related disorder. Also called: SGCD-related condition.
Autosomal recessive limb-girdle muscular dystrophy type 2F (LGMDR6). Also called: Muscular dystrophy limb-girdle with delta-sarcoglyan deficiency; MUSCULAR DYSTROPHY, LIMB-GIRDLE, AUTOSOMAL RECESSIVE 6. Identifiers: Orphanet 219, MedGen C1832525, MONDO:0011028, OMIM 601287. Disease mechanism: Affects gamma-sarcoglycan and also disrupts the integrity of the entire sarcoglycan complex..

Allele frequency attached by ClinVar (database versions not stated): gnomAD exomes below 0.00001 and 0.00001; ExAC 0.00001; gnomAD 0.00002 and 0.00003; TOPMed 0.00002.
gnomAD v4.1: 5 of 1,609,050 alleles (0.00031%); highest among the groups gnomAD compares: African/African-American, 0.0053%; no homozygotes.

Submissions (3):

Ambry Genetics
Classification: Uncertain significance for Inborn genetic diseases. Last evaluated: 2024-11-14. Review status: criteria provided, single submitter. Criteria: Ambry Variant Classification Scheme 2023. Collection method: clinical testing. Allele origin: germline.

PreventionGenetics, part of Exact Sciences
Classification: Uncertain significance for SGCD-related condition. Last evaluated: 2022-09-08. Review status: criteria provided, single submitter. Criteria: ACMG Guidelines, 2015. Collection method: clinical testing. Allele origin: germline.
Comment: The SGCD c.401C>T variant is predicted to result in the amino acid substitution p.Ala134Val. To our knowledge, this variant has not been reported in the literature. This variant is reported in 0.013% of alleles in individuals of African descent in gnomAD. At this time, the clinical significance of this variant is uncertain due to the absence of conclusive functional and genetic evidence.

Labcorp Genetics (formerly Invitae), Labcorp
Classification: Uncertain significance for Autosomal recessive limb-girdle muscular dystrophy type 2F. Last evaluated: 2022-07-26. Review status: criteria provided, single submitter. Criteria: Invitae Variant Classification Sherloc (09022015). Collection method: clinical testing. Allele origin: germline.
Comment: This sequence change replaces alanine, which is neutral and non-polar, with valine, which is neutral and non-polar, at codon 134 of the SGCD protein (p.Ala134Val). This variant is present in population databases (rs776098396, gnomAD 0.01%). This variant has not been reported in the literature in individuals affected with SGCD-related conditions. ClinVar contains an entry for this variant (Variation ID: 1062788). Algorithms developed to predict the effect of missense changes on protein structure and function are either unavailable or do not agree on the potential impact of this missense change (SIFT: "Tolerated"; PolyPhen-2: "Probably Damaging"; Align-GVGD: "Class C0"). In summary, the available evidence is currently insufficient to determine the role of this variant in disease. Therefore, it has been classified as a Variant of Uncertain Significance.